The following is an entry in ClinVar:

NM_000553.6(WRN):c.673C>T (p.Arg225Ter)

Gene: WRN (WRN RecQ like helicase; plus strand). Cytogenetic location: 8p12.
Variant type: single nucleotide variant.
Coding change: c.673C>T on transcript NM_000553.6 (MANE Select); coding-DNA position 673, C replaced by T.
Protein change: p.Arg225Ter; replaces arginine 225 with a stop codon.
Molecular consequence: nonsense.
Genome position (GRCh38, 1-based): chr8:31,068,276, C>T. VCF-style: chr8-31068276-C-T. GRCh37 (hg19) VCF-style: chr8-30925792-C-T.
Other names: short protein forms R225*.
Identifiers: ClinVar variation 404010 (VCV000404010.14), dbSNP rs370324188, ClinGen allele CA4704137.

ClinVar aggregate classification (germline): Pathogenic/Likely pathogenic. Review status: criteria provided, multiple submitters, no conflicts (2 of 4 stars). 5 submissions from 5 submitters: Pathogenic (3); Likely pathogenic (2). Last evaluated 2025-09-03.

Conditions:
WRN-related disorder. Also called: WRN-related condition.
Werner syndrome (WRN). Identifiers: Orphanet 902, MedGen C0043119, MONDO:0010196, OMIM 277700.

Allele frequency attached by ClinVar (database versions not stated): gnomAD exomes below 0.00001 and 0.00001; gnomAD 0.00001; TOPMed 0.00001; ExAC 0.00002; ESP Exome Variant Server 0.00008.
gnomAD v4.1: 7 of 1,605,774 alleles (0.00044%); highest among the groups gnomAD compares: African/African-American, 0.0013%; no homozygotes.

Submissions (5):

Labcorp Genetics (formerly Invitae), Labcorp
Classification: Pathogenic for Werner syndrome. Last evaluated: 2025-09-03. Review status: criteria provided, single submitter. Criteria: Invitae Variant Classification Sherloc (09022015). Collection method: clinical testing. Allele origin: germline.
Comment: This sequence change creates a premature translational stop signal (p.Arg225*) in the WRN gene. It is expected to result in an absent or disrupted protein product. Loss-of-function variants in WRN are known to be pathogenic (PMID: 16673358). The frequency data for this variant in the population databases is considered unreliable, as metrics indicate poor data quality at this position in the gnomAD database. This variant has not been reported in the literature in individuals affected with WRN-related conditions. ClinVar contains an entry for this variant (Variation ID: 404010). RNA analysis performed to evaluate the impact of this premature translational stop signal on mRNA splicing indicates it does not significantly alter splicing (internal data). For these reasons, this variant has been classified as Pathogenic.

PreventionGenetics, part of Exact Sciences
Classification: Pathogenic for WRN-related condition. Last evaluated: 2023-07-13. Review status: criteria provided, single submitter. Criteria: ACMG Guidelines, 2015. Collection method: clinical testing. Allele origin: germline.
Comment: The WRN c.673C>T variant is predicted to result in premature protein termination (p.Arg225*). This variant has been reported in the heterozygous state in individuals from an breast cancer exome sequencing cohort and an exome carrier screening cohort (Table S5, Maxwell et al. 2016. PubMed ID: 27153395; Table S1, Capalbo et al. 2019. PubMed ID: 31589614). This variant is reported in 0.0024% of alleles in individuals of European (Non-Finnish) descent in gnomAD. Nonsense variants in WRN are expected to be pathogenic. This variant is interpreted as pathogenic.

Baylor Genetics
Classification: Likely pathogenic for Werner syndrome. Last evaluated: 2023-07-03. Review status: criteria provided, single submitter. Criteria: ACMG Guidelines, 2015. Collection method: clinical testing. Allele origin: unknown.

Blueprint Genetics
Classification: Likely pathogenic for WRN-related disorders. Last evaluated: 2022-09-29. Review status: criteria provided, single submitter. Criteria: ACMG Guidelines, 2015. Collection method: clinical testing. Allele origin: germline. Affected: yes. Observed: 2 variant alleles.

Institute of Human Genetics, University of Leipzig Medical Center
Classification: Pathogenic for Werner syndrome. Last evaluated: 2021-07-07. Review status: criteria provided, single submitter. Criteria: ACMG Guidelines, 2015. Collection method: clinical testing. Allele origin: maternal. Inheritance: Autosomal recessive inheritance. Affected: yes.
Comment: Criteria applied: PVS1,PM3,PM2_SUP

Literature cited by the submitters: PubMed 16673358 (cited by Labcorp Genetics (formerly Invitae), Labcorp).